The following is an entry in ClinVar:

NM_000143.4(FH):c.1354T>C (p.Ser452Pro)

Gene: FH (fumarate hydratase; minus strand). Cytogenetic location: 1q43.
Variant type: single nucleotide variant.
Coding change: c.1354T>C on transcript NM_000143.4 (MANE Select); coding-DNA position 1354, T replaced by C.
Protein change: p.Ser452Pro; replaces serine 452 with proline.
Molecular consequence: missense variant.
Genome position (GRCh38, 1-based): chr1:241,500,473, A>G on the plus strand (T>C on the coding strand, the complement: FH is on the minus strand). VCF-style: chr1-241500473-A-G. GRCh37 (hg19) VCF-style: chr1-241663773-A-G.
Other names: short protein forms S452P.
Identifiers: ClinVar variation 4257324 (VCV004257324.1).

ClinVar aggregate classification (germline): Uncertain significance (1 of 4 stars; one submission).

Conditions:
Hereditary cancer-predisposing syndrome. Also called: Hereditary Cancer Syndrome; Hereditary neoplastic syndrome; Neoplastic Syndromes, Hereditary; Tumor predisposition. Identifiers: Orphanet 140162, MedGen C0027672, MeSH D009386, MONDO:0015356.

Submission:

Ambry Genetics
Classification: Uncertain significance for Hereditary cancer-predisposing syndrome. Last evaluated: 2025-06-18. Review status: criteria provided, single submitter. Criteria: Ambry Variant Classification Scheme 2023. Collection method: clinical testing. Allele origin: germline.
Comment: The p.S452P variant (also known as c.1354T>C), located in coding exon 9 of the FH gene, results from a T to C substitution at nucleotide position 1354. The serine at codon 452 is replaced by proline, an amino acid with similar properties. This amino acid position is highly conserved in available vertebrate species. In addition, this alteration is predicted to be deleterious by in silico analysis. Based on the available evidence, the clinical significance of this variant remains unclear.